The following is an entry in ClinVar:

NM_001165963.4(SCN1A):c.1052G>C (p.Cys351Ser)

Gene: SCN1A (sodium voltage-gated channel alpha subunit 1; minus strand). Cytogenetic location: 2q24.3.
Variant type: single nucleotide variant.
Coding change: c.1052G>C on transcript NM_001165963.4 (MANE Select); coding-DNA position 1052, G replaced by C.
Protein change: p.Cys351Ser; replaces cysteine 351 with serine.
Molecular consequence: missense variant. On other transcripts: 5 prime UTR variant (1), non-coding transcript variant (1).
Genome position (GRCh38, 1-based): chr2:166,047,745, C>G on the plus strand (G>C on the coding strand, the complement: SCN1A is on the minus strand). VCF-style: chr2-166047745-C-G. GRCh37 (hg19) VCF-style: chr2-166904255-C-G.
Other names: c.1052G>C, p.Cys351Ser (NM_001165964.3, NM_001202435.3, NM_001353948.2 and 10 more transcripts); c.-1374G>C (NM_001353961.2); short protein forms C351S.
Identifiers: ClinVar variation 1521850 (VCV001521850.9), dbSNP rs2105867993, ClinGen allele CA349071397.

ClinVar aggregate classification (germline): Likely pathogenic (1 of 4 stars; one submission).

Conditions:
Early-infantile DEE. Also called: Ohtahara syndrome; Early infantile epileptic encephalopathy; Early infantile epileptic encephalopathy with suppression bursts. Identifiers: Orphanet 1934, MedGen C0393706, MONDO:0800491.

Submission:

Labcorp Genetics (formerly Invitae), Labcorp
Classification: Likely pathogenic for Early-infantile DEE. Last evaluated: 2023-05-15. Review status: criteria provided, single submitter. Criteria: Invitae Variant Classification Sherloc (09022015). Collection method: clinical testing. Allele origin: germline.
Comment: In summary, the currently available evidence indicates that the variant is pathogenic, but additional data are needed to prove that conclusively. Therefore, this variant has been classified as Likely Pathogenic. This variant disrupts the p.Cys351 amino acid residue in SCN1A. Other variant(s) that disrupt this residue have been observed in individuals with SCN1A-related conditions (PMID: 21248271, 26169758, 34338318), which suggests that this may be a clinically significant amino acid residue. Advanced modeling of protein sequence and biophysical properties (such as structural, functional, and spatial information, amino acid conservation, physicochemical variation, residue mobility, and thermodynamic stability) performed at Invitae indicates that this missense variant is expected to disrupt SCN1A protein function. ClinVar contains an entry for this variant (Variation ID: 1521850). This variant has not been reported in the literature in individuals affected with SCN1A-related conditions. This variant is not present in population databases (gnomAD no frequency). This sequence change replaces cysteine, which is neutral and slightly polar, with serine, which is neutral and polar, at codon 351 of the SCN1A protein (p.Cys351Ser).

Literature cited by the submitters: PubMed 21248271; PubMed 26169758; PubMed 34338318.